The following is an entry in ClinVar:

ClinVar aggregate classification (germline): Uncertain significance (1 of 4 stars; one submission).

Submission:

GeneDx
Classification: Uncertain significance. Last evaluated: 2026-03-06. Review status: criteria provided, single submitter. Criteria: GeneDx Variant Classification Process June 2021. Collection method: clinical testing. Allele origin: germline.
Comment: Not observed at significant frequency in large population cohorts (gnomAD); In silico analysis suggests that this missense variant does not alter protein structure/function; Has not been previously published as pathogenic or benign to our knowledge

NM_005045.4(RELN):c.9166A>T (p.Ser3056Cys)

Genes: RELN (reelin; minus strand), SLC26A5-AS1 (SLC26A5 antisense RNA 1; plus strand). Cytogenetic location: 7q22.1.
Variant type: single nucleotide variant.
Coding change: c.9166A>T on transcript NM_005045.4 (MANE Select); coding-DNA position 9166, A replaced by T.
Protein change: p.Ser3056Cys; replaces serine 3056 with cysteine.
Molecular consequence: missense variant.
Genome position (GRCh38, 1-based): chr7:103,496,553, T>A on the plus strand (A>T on the coding strand, the complement: RELN is on the minus strand). VCF-style: chr7-103496553-T-A. GRCh37 (hg19) VCF-style: chr7-103137000-T-A.
Other names: c.9166A>T, p.Ser3056Cys (NM_173054.3); short protein forms S3056C.
Identifiers: ClinVar variation 5008662 (VCV005008662.1).